The following is an entry in ClinVar:

ClinVar aggregate classification (germline): Benign (1 of 4 stars; one submission).

Conditions:
Fleck corneal dystrophy (CFD). Also called: CORNEAL DYSTROPHY, FRANCOIS-NEETENS SPECKLED OR FLECKED. Identifiers: Orphanet 98970, MedGen C1562113, MONDO:0007376, OMIM 121850.

Allele frequency attached by ClinVar (database versions not stated): ESP Exome Variant Server 0.00023; ExAC 0.00041; gnomAD exomes 0.00044 and 0.00071; gnomAD 0.00054 and 0.00057; TOPMed 0.00056; 1000 Genomes Project 30x 0.00078; 1000 Genomes Project 0.00100.
gnomAD v4.1: 1,086 of 1,593,048 alleles (0.068%); highest among the groups gnomAD compares: Non-Finnish European, 0.086%; 1 homozygote.

Submission:

Illumina Laboratory Services, Illumina
Classification: Benign for Fleck corneal dystrophy. Last evaluated: 2018-01-12. Review status: criteria provided, single submitter. Criteria: ICSL Variant Classification Criteria 13 December 2019. Collection method: clinical testing. Allele origin: germline.
Comment: This variant was observed in the ICSL laboratory as part of a predisposition screen in an ostensibly healthy population. It had not been previously curated by ICSL or reported in the Human Gene Mutation Database (HGMD: prior to June 1st, 2018), and was therefore a candidate for classification through an automated scoring system. Utilizing variant allele frequency, disease prevalence and penetrance estimates, and inheritance mode, an automated score was calculated to assess if this variant is too frequent to cause the disease. Based on the score and internal cut-off values, a variant classified as benign is not then subjected to further curation. The score for this variant resulted in a classification of benign for this disease.

NM_015040.4(PIKFYVE):c.3459C>T (p.Ala1153=)

Gene: PIKFYVE (phosphoinositide kinase, FYVE-type zinc finger containing; plus strand). Cytogenetic location: 2q34.
Variant type: single nucleotide variant.
Coding change: c.3459C>T on transcript NM_015040.4 (MANE Select); coding-DNA position 3459, C replaced by T.
Protein change: p.Ala1153=; no amino-acid change (alanine 1153 retained).
Molecular consequence: synonymous variant.
Genome position (GRCh38, 1-based): chr2:208,326,270, C>T. VCF-style: chr2-208326270-C-T. GRCh37 (hg19) VCF-style: chr2-209190994-C-T.
Identifiers: ClinVar variation 895486 (VCV000895486.4), dbSNP rs147976705, ClinGen allele CA2080039.